The following is an entry in ClinVar:

NM_015122.3(FCHO1):c.976_977delinsTT (p.Thr326Phe)

Gene: FCHO1 (FCH and mu domain containing endocytic adaptor 1; plus strand). Cytogenetic location: 19p13.11.
Variant type: Indel.
Coding change: c.976_977delinsTT on transcript NM_015122.3 (MANE Select); coding-DNA positions 976 to 977, AC replaced by TT.
Protein change: p.Thr326Phe; replaces threonine 326 with phenylalanine.
Molecular consequence: missense variant. On other transcripts: non-coding transcript variant (36).
Genome position (GRCh38, 1-based): chr19:17,775,486-17,775,487, AC replaced by TT. VCF-style: chr19-17775486-AC-TT. GRCh37 (hg19) VCF-style: chr19-17886295-AC-TT.
Other names: c.976_977delinsTT, p.Thr326Phe (NM_001161357.2, NM_001161358.2, NM_001384370.1 and 25 more transcripts); c.826_827delinsTT, p.Thr276Phe (NM_001161359.2, NM_001384384.1, NM_001384385.1 and 3 more transcripts); c.937_938delinsTT, p.Thr313Phe (NM_001384388.1, NM_001384389.1, NM_001384405.1); c.901_902delinsTT, p.Thr301Phe (NM_001384390.1); c.931_932delinsTT, p.Thr311Phe (NM_001384403.1); short protein forms T301F, T326F, T311F, T313F, T276F.
Identifiers: ClinVar variation 4716098 (VCV004716098.1).

ClinVar aggregate classification (germline): Uncertain significance (1 of 4 stars; one submission).

Submission:

Labcorp Genetics (formerly Invitae), Labcorp
Classification: Uncertain significance. Last evaluated: 2025-04-09. Review status: criteria provided, single submitter. Criteria: Invitae Variant Classification Sherloc (09022015). Collection method: clinical testing. Allele origin: germline.
Comment: This sequence change replaces threonine, which is neutral and polar, with phenylalanine, which is neutral and non-polar, at codon 326 of the FCHO1 protein (p.Thr326Phe). Information on the frequency of this variant in the gnomAD database is not available, as this variant may be reported differently in the database. This variant has not been reported in the literature in individuals affected with FCHO1-related conditions. An algorithm developed to predict the effect of missense changes on protein structure and function (PolyPhen-2) suggests that this variant is likely to be disruptive. In summary, the available evidence is currently insufficient to determine the role of this variant in disease. Therefore, it has been classified as a Variant of Uncertain Significance.